The following is an entry in ClinVar:

NM_052859.4(RFT1):c.*450C>T

Gene: RFT1 (RFT1 glycolipid translocator homolog; minus strand). Cytogenetic location: 3p21.1.
Variant type: single nucleotide variant.
Coding change: c.*450C>T on transcript NM_052859.4 (MANE Select); 450 bases downstream of the stop codon, C replaced by T.
Molecular consequence: 3 prime UTR variant.
Genome position (GRCh38, 1-based): chr3:53,091,453, G>A on the plus strand (C>T on the coding strand, the complement: RFT1 is on the minus strand). VCF-style: chr3-53091453-G-A. GRCh37 (hg19) VCF-style: chr3-53125469-G-A.
Identifiers: ClinVar variation 346175 (VCV000346175.6), dbSNP rs2564922, ClinGen allele CA10616433.

ClinVar aggregate classification (germline): Benign. Review status: criteria provided, multiple submitters, no conflicts (2 of 4 stars). 2 submissions from 2 submitters: Benign (2). Last evaluated 2018-01-13.

Conditions:
RFT1-congenital disorder of glycosylation (CDG1N). Also called: Congenital disorder of glycosylation type In; CDG In; RFT1-CDG. Identifiers: Orphanet 244310, MedGen C2677590, MONDO:0012783, OMIM 612015.

Allele frequency attached by ClinVar (database versions not stated): gnomAD exomes 0.60796; gnomAD 0.63746 and 0.63874; 1000 Genomes Project 30x 0.64538; TOPMed 0.64783; 1000 Genomes Project 0.65076.
gnomAD v4.1: 124,783 of 197,224 alleles (63%); highest among the groups gnomAD compares: East Asian, 84%; 40,267 homozygotes.

Submissions (2):

Illumina Laboratory Services, Illumina
Classification: Benign for RFT1-congenital disorder of glycosylation. Last evaluated: 2018-01-13. Review status: criteria provided, single submitter. Criteria: ICSL Variant Classification Criteria 13 December 2019. Collection method: clinical testing. Allele origin: germline.
Comment: This variant was observed in the ICSL laboratory as part of a predisposition screen in an ostensibly healthy population. It had not been previously curated by ICSL or reported in the Human Gene Mutation Database (HGMD: prior to June 1st, 2018), and was therefore a candidate for classification through an automated scoring system. Utilizing variant allele frequency, disease prevalence and penetrance estimates, and inheritance mode, an automated score was calculated to assess if this variant is too frequent to cause the disease. Based on the score and internal cut-off values, a variant classified as benign is not then subjected to further curation. The score for this variant resulted in a classification of benign for this disease.

Breakthrough Genomics
Classification: Benign. Review status: criteria provided, single submitter. Criteria: ACMG Guidelines, 2015. Collection method: not provided. Allele origin: germline. Inheritance: Autosomal recessive inheritance. Affected: yes.